The following is an entry in ClinVar:

NM_033109.5(PNPT1):c.861T>A (p.Thr287=)

Gene: PNPT1 (polyribonucleotide nucleotidyltransferase 1; minus strand). Cytogenetic location: 2p16.1.
Variant type: single nucleotide variant.
Coding change: c.861T>A on transcript NM_033109.5 (MANE Select); coding-DNA position 861, T replaced by A.
Protein change: p.Thr287=; no amino-acid change (threonine 287 retained).
Molecular consequence: synonymous variant.
Genome position (GRCh38, 1-based): chr2:55,672,898, A>T on the plus strand (T>A on the coding strand, the complement: PNPT1 is on the minus strand). VCF-style: chr2-55672898-A-T. GRCh37 (hg19) VCF-style: chr2-55900033-A-T.
Other names: p.T287T:ACT>ACA; p.Thr287=.
Identifiers: ClinVar variation 214997 (VCV000214997.17), dbSNP rs150220872, ClinGen allele CA325241.
Genomic context (GRCh38, chr2:55,672,898, plus strand): 5'-GAGGAAATTAAATCTGATGACAATTTCATATTTTCATTTGCACAGATGTTCTTACTTATG[A>T]GTATATTTCACAATCTCTGGCGAAGGGGTAAATAACTTCTGAGGTGTCCTCTTGGTAACA-3'
Protein context (NP_149100.2, residues 277-297): FTPSPEIVKY[Thr287=]HKLAMERLYA

ClinVar aggregate classification (germline): Benign/Likely benign. Review status: criteria provided, multiple submitters, no conflicts (2 of 4 stars). 6 submissions from 6 submitters: Benign (4); Likely benign (1). 1 of the submissions does not count toward it. Last evaluated 2026-02-03.

Conditions:
PNPT1-related disorder. Also called: PNPT1-related condition; PNPT1-related disorders.

Allele frequency attached by ClinVar (database versions not stated): 1000 Genomes Project 30x 0.00390; TOPMed 0.00445; ESP Exome Variant Server 0.00477; 1000 Genomes Project 0.00479.
gnomAD v4.1: 1,155 of 1,592,118 alleles (0.073%); highest among the groups gnomAD compares: African/African-American, 1.5%; 16 homozygotes.

Submissions (6):

Labcorp Genetics (formerly Invitae), Labcorp
Classification: Benign. Last evaluated: 2026-02-03. Review status: criteria provided, single submitter. Criteria: Invitae Variant Classification Sherloc (09022015). Collection method: clinical testing. Allele origin: germline.

Blueprint Genetics
Classification: Likely benign. Last evaluated: 2024-10-24. Review status: criteria provided, single submitter. Criteria: ACMG Guidelines, 2015. Collection method: clinical testing. Allele origin: germline.

Mayo Clinic Laboratories, Mayo Clinic
Classification: Benign. Last evaluated: 2021-11-22. Review status: criteria provided, single submitter. Criteria: ACMG Guidelines, 2015. Collection method: clinical testing. Allele origin: germline. Observed: 3 variant alleles.
Comment: BS1, BS2, BP4, BP7

GeneDx
Classification: Benign. Last evaluated: 2014-07-21. Review status: criteria provided, single submitter. Criteria: GeneDx Variant Classification (06012015). Collection method: clinical testing. Allele origin: germline. Affected: yes.
Comment: This variant is considered likely benign or benign based on one or more of the following criteria: it is a conservative change, it occurs at a poorly conserved position in the protein, it is predicted to be benign by multiple in silico algorithms, and/or has population frequency not consistent with disease.

Breakthrough Genomics
Classification: Benign. Review status: criteria provided, single submitter. Criteria: ACMG Guidelines, 2015. Collection method: not provided. Allele origin: germline. Inheritance: Autosomal recessive inheritance. Affected: yes.

PreventionGenetics, part of Exact Sciences
Classification: Benign for PNPT1-related condition. Last evaluated: 2020-01-13. Review status: no assertion criteria provided. Collection method: clinical testing. Allele origin: germline. Not counted in ClinVar's aggregate classification.
Comment: This variant is classified as benign based on ACMG/AMP sequence variant interpretation guidelines (Richards et al. 2015 PMID: 25741868, with internal and published modifications).